The following is an entry in ClinVar:

NM_001083116.3(PRF1):c.542T>C (p.Phe181Ser)

Gene: PRF1 (perforin 1; minus strand). Cytogenetic location: 10q22.1.
Variant type: single nucleotide variant.
Coding change: c.542T>C on transcript NM_001083116.3 (MANE Select); coding-DNA position 542, T replaced by C.
Protein change: p.Phe181Ser; replaces phenylalanine 181 with serine.
Molecular consequence: missense variant.
Genome position (GRCh38, 1-based): chr10:70,599,179, A>G on the plus strand (T>C on the coding strand, the complement: PRF1 is on the minus strand). VCF-style: chr10-70599179-A-G. GRCh37 (hg19) VCF-style: chr10-72358935-A-G.
Other names: c.542T>C, p.Phe181Ser (NM_005041.6); short protein forms F181S.
Identifiers: ClinVar variation 943778 (VCV000943778.8), dbSNP rs770131011, ClinGen allele CA5538980.

ClinVar aggregate classification (germline): Uncertain significance. Review status: criteria provided, multiple submitters, no conflicts (2 of 4 stars). 4 submissions from 4 submitters: Uncertain significance (4). Last evaluated 2024-04-20.

Conditions:
Inborn genetic diseases. Identifiers: MedGen C0950123, MeSH D030342.
Familial hemophagocytic lymphohistiocytosis 2 (FHL2). Also called: PRF1-Related Familial Hemophagocytic Lymphohistiocytosis (PRF1-fHLH). Identifiers: Orphanet 540, MedGen C1863727, MONDO:0011337, OMIM 603553.

Allele frequency attached by ClinVar (database versions not stated): ExAC 0.00001; gnomAD exomes 0.00001 and 0.00002.
gnomAD v4.1: 11 of 1,614,134 alleles (0.00068%); highest among the groups gnomAD compares: South Asian, 0.0099%; no homozygotes.

Submissions (4):

Ambry Genetics
Classification: Uncertain significance for Inborn genetic diseases. Last evaluated: 2024-04-20. Review status: criteria provided, single submitter. Criteria: Ambry Variant Classification Scheme 2023. Collection method: clinical testing. Allele origin: germline.

Neuberg Centre For Genomic Medicine, NCGM
Classification: Uncertain significance for Familial hemophagocytic lymphohistiocytosis 2. Last evaluated: 2023-07-22. Review status: criteria provided, single submitter. Criteria: ACMG Guidelines, 2015. Collection method: clinical testing. Allele origin: germline. Inheritance: Autosomal recessive inheritance. Affected: yes.
Comment: The observed missense , splice region variant c.542T>Cp.Phe181Ser in PRF1 gene has not been reported previously as a pathogenic variant nor as a benign variant, to our knowledge. The p.Phe181Ser variant is reported with 0.002% allele frequency in gnomAD Exomes. It has been submitted to ClinVar as Uncertain Significance. The amino acid Phe at position 181 is changed to a Ser changing protein sequence and it might alter its composition and physico-chemical properties. Computational evidence Polyphen-Tolerated, SIFT-Damaging and Mutation Taster-polymorphism predicts conflicting evidence on protein structure and function for this variant. The reference amino acid p.Phe181Ser in PRF1 is predicted as conserved by GERP++ and PhyloP across 100 vertebrates. For these reasons, this variant has been classified as Uncertain Significance. In the absence of another reportable variant, the molecular diagnosis is not confirmed.

Blueprint Genetics
Classification: Uncertain significance. Last evaluated: 2023-03-22. Review status: criteria provided, single submitter. Criteria: ACMG Guidelines, 2015. Collection method: clinical testing. Allele origin: germline.

Labcorp Genetics (formerly Invitae), Labcorp
Classification: Uncertain significance for Familial hemophagocytic lymphohistiocytosis 2. Last evaluated: 2021-12-03. Review status: criteria provided, single submitter. Criteria: Invitae Variant Classification Sherloc (09022015). Collection method: clinical testing. Allele origin: germline.
Comment: This sequence change replaces phenylalanine, which is neutral and non-polar, with serine, which is neutral and polar, at codon 181 of the PRF1 protein (p.Phe181Ser). This variant is present in population databases (rs770131011, gnomAD 0.01%). This variant has not been reported in the literature in individuals affected with PRF1-related conditions. ClinVar contains an entry for this variant (Variation ID: 943778). Algorithms developed to predict the effect of missense changes on protein structure and function output the following: SIFT: "Deleterious"; PolyPhen-2: "Probably Damaging"; Align-GVGD: "Class C35". The serine amino acid residue is found in multiple mammalian species, which suggests that this missense change does not adversely affect protein function. In summary, the available evidence is currently insufficient to determine the role of this variant in disease. Therefore, it has been classified as a Variant of Uncertain Significance.